The following is an entry in ClinVar:

NM_001818.5(AKR1C4):c.354C>G (p.Phe118Leu)

Gene: AKR1C4 (aldo-keto reductase family 1 member C4; plus strand). Cytogenetic location: 10p15.1.
Variant type: single nucleotide variant.
Coding change: c.354C>G on transcript NM_001818.5 (MANE Select); coding-DNA position 354, C replaced by G.
Protein change: p.Phe118Leu; replaces phenylalanine 118 with leucine.
Molecular consequence: missense variant.
Genome position (GRCh38, 1-based): chr10:5,204,478, C>G. VCF-style: chr10-5204478-C-G. GRCh37 (hg19) VCF-style: chr10-5246441-C-G.
Other names: short protein forms F118L.
Identifiers: ClinVar variation 2726551 (VCV002726551.3), dbSNP rs782452602, ClinGen allele CA375888926.

ClinVar aggregate classification (germline): Uncertain significance (1 of 4 stars; one submission).

Submission:

Labcorp Genetics (formerly Invitae), Labcorp
Classification: Uncertain significance. Last evaluated: 2023-10-03. Review status: criteria provided, single submitter. Criteria: Invitae Variant Classification Sherloc (09022015). Collection method: clinical testing. Allele origin: germline.
Comment: This sequence change replaces phenylalanine, which is neutral and non-polar, with leucine, which is neutral and non-polar, at codon 118 of the AKR1C4 protein (p.Phe118Leu). This variant is not present in population databases (gnomAD no frequency). This variant has not been reported in the literature in individuals affected with AKR1C4-related conditions. Advanced modeling of protein sequence and biophysical properties (such as structural, functional, and spatial information, amino acid conservation, physicochemical variation, residue mobility, and thermodynamic stability) performed at Invitae indicates that this missense variant is not expected to disrupt AKR1C4 protein function. In summary, the available evidence is currently insufficient to determine the role of this variant in disease. Therefore, it has been classified as a Variant of Uncertain Significance.